The following is an entry in ClinVar:

ClinVar aggregate classification (germline): Uncertain significance (1 of 4 stars; one submission).

Submission:

Ambry Genetics
Classification: Uncertain significance. Last evaluated: 2024-04-12. Review status: criteria provided, single submitter. Criteria: Ambry Variant Classification Scheme 2023. Collection method: clinical testing. Allele origin: germline.
Comment: The p.P1449L variant (also known as c.4346C>T), located in coding exon 12 of the MLH3 gene, results from a C to T substitution at nucleotide position 4346. The proline at codon 1449 is replaced by leucine, an amino acid with similar properties. This amino acid position is conserved. In addition, this alteration is predicted to be tolerated by in silico analysis. Based on the available evidence, the clinical significance of this variant remains unclear.

NM_001040108.2(MLH3):c.4346C>T (p.Pro1449Leu)

Gene: MLH3 (mutL homolog 3; minus strand). Cytogenetic location: 14q24.3.
Variant type: single nucleotide variant.
Coding change: c.4346C>T on transcript NM_001040108.2 (MANE Select); coding-DNA position 4346, C replaced by T.
Protein change: p.Pro1449Leu; replaces proline 1449 with leucine.
Molecular consequence: missense variant.
Genome position (GRCh38, 1-based): chr14:75,017,098, G>A on the plus strand (C>T on the coding strand, the complement: MLH3 is on the minus strand). VCF-style: chr14-75017098-G-A. GRCh37 (hg19) VCF-style: chr14-75483801-G-A.
Other names: c.4274C>T, p.Pro1425Leu (NM_014381.3); short protein forms P1449L, P1425L.
Identifiers: ClinVar variation 3295104 (VCV003295104.1).
Genomic context (GRCh38, chr14:75,017,098, plus strand): 5'-ACAGTGAACATCCCTTTGTTCCTTTTAGACCAGTGATTCTGTTCTCATGGTGGCTCACAG[G>A]GAGGCATGGATTGCTGCAGGCTCTGCCTTGTATCACACTCTGCTTTTCCAAAGAGACGCC-3'
Protein context (NP_001035197.1, residues 1439-1453): TRQSLQQSMP[Pro1449Leu]CEPP